The following is an entry in ClinVar:

NM_004415.4(DSP):c.259C>G (p.Leu87Val)

Gene: DSP (desmoplakin; plus strand). Cytogenetic location: 6p24.3.
Variant type: single nucleotide variant.
Coding change: c.259C>G on transcript NM_004415.4 (MANE Select); coding-DNA position 259, C replaced by G.
Protein change: p.Leu87Val; replaces leucine 87 with valine.
Molecular consequence: missense variant.
Genome position (GRCh38, 1-based): chr6:7,555,806, C>G. VCF-style: chr6-7555806-C-G. GRCh37 (hg19) VCF-style: chr6-7556039-C-G.
Other names: c.259C>G, p.Leu87Val (NM_001008844.3, NM_001319034.2); short protein forms L87V.
Identifiers: ClinVar variation 1413372 (VCV001413372.10), dbSNP rs377652477, ClinGen allele CA034109.

ClinVar aggregate classification (germline): Conflicting classifications of pathogenicity. Review status: criteria provided, conflicting classifications (1 of 4 stars). 3 submissions from 3 submitters: Uncertain significance (2); Benign (1). Last evaluated 2026-03-22.

Conditions:
Arrhythmogenic cardiomyopathy with wooly hair and keratoderma. Also called: Carvajal syndrome; Arrhythmogenic cardiomyopathy with woolly hair and keratoderma; PALMOPLANTAR KERATODERMA WITH LEFT VENTRICULAR CARDIOMYOPATHY AND WOOLLY HAIR; Dilated cardiomyopathy with woolly hair and keratoderma. Identifiers: Orphanet 65282, MedGen C1854063, MONDO:0011581, OMIM 605676.
Arrhythmogenic right ventricular dysplasia 8 (ARVD8). Also called: Arrhythmogenic Right Ventricular Dysplasia/Cardiomyopathy 8; ARRHYTHMOGENIC RIGHT VENTRICULAR DYSPLASIA, FAMILIAL, 8; ARRHYTHMOGENIC RIGHT VENTRICULAR CARDIOMYOPATHY 8. Identifiers: MedGen C1843896, MONDO:0011831, OMIM 607450.
Cardiomyopathy, dilated, with wooly hair, keratoderma, and tooth agenesis. Also called: Erythrokeratodermia-cardiomyopathy syndrome; Cardiomyopathy, dilated, with woolly hair, keratoderma, and tooth agenesis. Identifiers: Orphanet 476096, Orphanet 65282, MedGen C4014393, MONDO:0014355, OMIM 615821.

Allele frequency attached by ClinVar (database versions not stated): gnomAD exomes 0.00001; ExAC 0.00003; TOPMed 0.00003; gnomAD 0.00005 and 0.00006; ESP Exome Variant Server 0.00008.
gnomAD v4.1: 8 of 1,613,986 alleles (0.0005%); highest among the groups gnomAD compares: African/African-American, 0.011%; no homozygotes.

Submissions (3):

Clinical Genomics Laboratory, Washington University in St. Louis
Classification: Uncertain significance for Arrhythmogenic right ventricular dysplasia 8; Cardiomyopathy, dilated, with wooly hair, keratoderma, and tooth agenesis. Last evaluated: 2026-03-22. Review status: criteria provided, single submitter. Criteria: ACMG Guidelines, 2015. Collection method: clinical testing. Allele origin: germline.
Comment: A DSP c.259C>G (p.Leu87Val) variant was identified in a heterozygous state. This variant, to our knowledge, has not been reported in the medical literature but has been reported in the ClinVar database as a variant of uncertain significance by one submitter and a benign variant by one submitter (ClinVar Variation ID: 1413372). It is only observed in 8/1,613,986 alleles in the general population (gnomAD v4.1.0), indicating it is not a common variant. Computational predictors suggest that the variant does not impact DSP function. Due to limited information, and based on ACMG/AMP guidelines for variant interpretation (Richards S et al., PMID: 25741868), the clinical significance of this variant is uncertain at this time.

Labcorp Genetics (formerly Invitae), Labcorp
Classification: Benign for Arrhythmogenic cardiomyopathy with wooly hair and keratoderma; Arrhythmogenic right ventricular dysplasia 8. Last evaluated: 2025-11-03. Review status: criteria provided, single submitter. Criteria: Invitae Variant Classification Sherloc (09022015). Collection method: clinical testing. Allele origin: germline.

All of Us Research Program, National Institutes of Health
Classification: Uncertain significance for Arrhythmogenic cardiomyopathy with wooly hair and keratoderma. Last evaluated: 2024-07-10. Review status: criteria provided, single submitter. Criteria: ACMG Guidelines, 2015. Collection method: clinical testing. Allele origin: germline. Inheritance: Autosomal dominant inheritance. Observed: 2 variant alleles, 2 heterozygotes.
Comment: This missense variant replaces leucine with valine at codon 87 of the DSP protein. Computational prediction suggests that this variant may not impact protein structure and function (internally defined REVEL score threshold <= 0.5, PMID: 27666373). To our knowledge, functional studies have not been reported for this variant. This variant has not been reported in individuals affected with DSP-related disorders in the literature. This variant has been identified in 6/282454 chromosomes in the general population by the Genome Aggregation Database (gnomAD). The available evidence is insufficient to determine the role of this variant in disease conclusively. Therefore, this variant is classified as a Variant of Uncertain Significance.

This study involves interpretation of variants in research participants for the purpose of population health screening. Participant phenotype was not available at the time of variant classification. Additional details can be found in publication PMID: 35346344, PMCID: PMC8962531

Literature cited by the submitters: uncertain (cited by Clinical Genomics Laboratory, Washington University in St. Louis).